The following is an entry in ClinVar:

NM_004360.5(CDH1):c.931C>T (p.Leu311Phe)

Gene: CDH1 (cadherin 1; plus strand). Cytogenetic location: 16q22.1.
Variant type: single nucleotide variant.
Coding change: c.931C>T on transcript NM_004360.5 (MANE Select); coding-DNA position 931, C replaced by T.
Protein change: p.Leu311Phe; replaces leucine 311 with phenylalanine.
Molecular consequence: missense variant. On other transcripts: 5 prime UTR variant (2).
Genome position (GRCh38, 1-based): chr16:68,811,782, C>T. VCF-style: chr16-68811782-C-T. GRCh37 (hg19) VCF-style: chr16-68845685-C-T.
Other names: c.931C>T (LRG_301t1); c.931C>T, p.Leu311Phe (NM_001317184.2); c.-685C>T (NM_001317185.2); c.-889C>T (NM_001317186.2); short protein forms L311F.
Identifiers: ClinVar variation 479515 (VCV000479515.16), dbSNP rs767003567, ClinGen allele CA396459744.

ClinVar aggregate classification (germline): Conflicting classifications of pathogenicity. Review status: criteria provided, conflicting classifications (1 of 4 stars). 3 submissions from 3 submitters: Uncertain significance (2); Likely benign (1). Last evaluated 2026-05-06.

Conditions:
Hereditary cancer-predisposing syndrome. Also called: Tumor predisposition; Hereditary neoplastic syndrome; Neoplastic Syndromes, Hereditary; Hereditary Cancer Syndrome. Identifiers: Orphanet 140162, MedGen C0027672, MeSH D009386, MONDO:0015356.
Hereditary diffuse gastric adenocarcinoma (HDGC). Also called: DIFFUSE GASTRIC AND LOBULAR BREAST CANCER SYNDROME. Identifiers: Orphanet 26106, MedGen C1708349, MONDO:0007648, OMIM 137215.

Submissions (3):

Ambry Genetics
Classification: Likely benign for Hereditary cancer-predisposing syndrome. Last evaluated: 2026-05-06. Review status: criteria provided, single submitter. Criteria: Ambry Variant Classification Scheme 2023. Collection method: clinical testing. Allele origin: germline.

Labcorp Genetics (formerly Invitae), Labcorp
Classification: Uncertain significance for Hereditary diffuse gastric adenocarcinoma. Last evaluated: 2023-12-01. Review status: criteria provided, single submitter. Criteria: Invitae Variant Classification Sherloc (09022015). Collection method: clinical testing. Allele origin: germline.
Comment: This sequence change replaces leucine, which is neutral and non-polar, with phenylalanine, which is neutral and non-polar, at codon 311 of the CDH1 protein (p.Leu311Phe). This variant is not present in population databases (gnomAD no frequency). This variant has not been reported in the literature in individuals affected with CDH1-related conditions. ClinVar contains an entry for this variant (Variation ID: 479515). An algorithm developed to predict the effect of missense changes on protein structure and function (PolyPhen-2) suggests that this variant is likely to be disruptive. In summary, the available evidence is currently insufficient to determine the role of this variant in disease. Therefore, it has been classified as a Variant of Uncertain Significance.

Sema4
Classification: Uncertain significance for Hereditary cancer-predisposing syndrome. Last evaluated: 2021-10-22. Review status: criteria provided, single submitter. Criteria: Sema4 Curation Guidelines. Collection method: curation. Allele origin: germline.
Comment: The CDH1 c.931C>T (p.L311F) variant has not been reported in the literature to our knowledge. It was not observed in the large and broad cohorts of the Genome Aggregation Database (PMID: 32461654). The variant has been reported in ClinVar (Variation ID 479515). In silico tools suggest the impact of the variant on protein function is benign, though these predictions have not been confirmed by functional studies. There is no indication that this variant causes disease, but the evidence is insufficient currently to prove that conclusively. Thus, the clinical significance of this variant is currently uncertain.